The following is an entry in ClinVar:

NM_032581.4(HYCC1):c.*4221G>C

Gene: HYCC1 (hyccin PI4KA lipid kinase complex subunit 1; minus strand). Cytogenetic location: 7p15.3.
Variant type: single nucleotide variant.
Coding change: c.*4221G>C on transcript NM_032581.4 (MANE Select); 4221 bases downstream of the stop codon, G replaced by C.
Molecular consequence: 3 prime UTR variant.
Genome position (GRCh38, 1-based): chr7:22,941,368, C>G on the plus strand (G>C on the coding strand, the complement: HYCC1 is on the minus strand). VCF-style: chr7-22941368-C-G. GRCh37 (hg19) VCF-style: chr7-22980987-C-G.
Other names: c.*4823G>C (NM_001363466.2); c.*4781G>C (NM_001363467.2).
Identifiers: ClinVar variation 359715 (VCV000359715.5), dbSNP rs539079827, ClinGen allele CA10623652.

ClinVar aggregate classification (germline): Likely benign (1 of 4 stars; one submission).

Conditions:
Hypomyelination and Congenital Cataract (HLD5). Also called: hypomyelinating leukodystrophy 5. Identifiers: Orphanet 85163, MedGen C1864663, MONDO:0012514, OMIM 610532.

Allele frequency attached by ClinVar (database versions not stated): gnomAD 0.00006 and 0.00013; TOPMed 0.00006; 1000 Genomes Project 30x 0.00078; 1000 Genomes Project 0.00080.
gnomAD v4.1: 19 of 152,152 alleles (0.012%); highest among the groups gnomAD compares: East Asian, 0.35%; no homozygotes.

Submission:

Illumina Laboratory Services, Illumina
Classification: Likely benign for Hypomyelination and Congenital Cataract. Last evaluated: 2018-01-13. Review status: criteria provided, single submitter. Criteria: ICSL Variant Classification Criteria 13 December 2019. Collection method: clinical testing. Allele origin: germline.
Comment: This variant was observed in the ICSL laboratory as part of a predisposition screen in an ostensibly healthy population. It had not been previously curated by ICSL or reported in the Human Gene Mutation Database (HGMD: prior to June 1st, 2018), and was therefore a candidate for classification through an automated scoring system. Utilizing variant allele frequency, disease prevalence and penetrance estimates, and inheritance mode, an automated score was calculated to assess if this variant is too frequent to cause the disease. Based on the score and internal cut-off values, a variant classified as likely benign is not then subjected to further curation. The score for this variant resulted in a classification of likely benign for this disease.